The following is an entry in ClinVar:

ClinVar aggregate classification (germline): Pathogenic/Likely pathogenic. Review status: criteria provided, multiple submitters, no conflicts (2 of 4 stars). 10 submissions from 10 submitters: Pathogenic (2); Likely pathogenic (7). 1 of the submissions does not count toward it. Last evaluated 2025-11-18.

Conditions:
NPC1-related disorder. Also called: NPC1-related condition.
Niemann-Pick disease, type C (NPC). Identifiers: Orphanet 646, MedGen C0220756, MONDO:0018982.
Niemann-Pick disease, type C1. Also called: NEUROVISCERAL STORAGE DISEASE WITH VERTICAL SUPRANUCLEAR OPHTHALMOPLEGIA; NIEMANN-PICK DISEASE WITH CHOLESTEROL ESTERIFICATION BLOCK; NIEMANN-PICK DISEASE WITHOUT SPHINGOMYELINASE DEFICIENCY; NIEMANN-PICK DISEASE, CHRONIC NEURONOPATHIC FORM; NIEMANN-PICK DISEASE, VARIANT TYPE C1. Identifiers: Orphanet 646, MedGen C3179455, MONDO:0009757, OMIM 257220.

Allele frequency attached by ClinVar (database versions not stated): gnomAD exomes below 0.00001; TOPMed 0.00001.

Submissions (10):

Natera, Inc.
Classification: Likely pathogenic for Niemann-Pick disease type C1. Last evaluated: 2025-11-18. Review status: criteria provided, single submitter. Criteria: Natera Variant Classification Schema (03/2026). Collection method: clinical testing. Allele origin: germline.
Comment: The c.1210C>T variant in NPC1 is a missense variant predicted to cause substitution of arginine to tryptophan at amino acid 404. This variant is rare in the general population with a frequency below the threshold expected for the associated phenotype(s). This variant has been observed in one or more individuals affected with the associated recessive disease, as either homozygous or compound heterozygous with a second variant (PMID: 39507854, 36125338, 34113546). A different variant at the same position has been determined to be Pathogenic or Likely Pathogenic. Computational prediction algorithms indicate this variant is likely to affect gene or protein function. Given the available evidence, this variant is classified as Likely Pathogenic.

PreventionGenetics, part of Exact Sciences
Classification: Pathogenic for NPC1-related condition. Last evaluated: 2025-10-24. Review status: criteria provided, single submitter. Criteria: ACMG Guidelines, 2015. Collection method: clinical testing. Allele origin: germline.
Comment: The NPC1 c.1210C>T variant is predicted to result in the amino acid substitution p.Arg404Trp. This variant has been reported to be causative for Niemann-Pick Disease Type C (see for example, Table S1, Park et al. 2003. PubMed ID: 12955717; Supplementary Table 1, Reunert et al. 2016. PubMed ID: 26981555). This variant has not been reported in a large population database (gnomAD), indicating this variant is rare. This variant is interpreted as pathogenic.

Labcorp Genetics (formerly Invitae), Labcorp
Classification: Pathogenic for Niemann-Pick disease, type C1. Last evaluated: 2025-07-08. Review status: criteria provided, single submitter. Criteria: Invitae Variant Classification Sherloc (09022015). Collection method: clinical testing. Allele origin: germline.
Comment: This sequence change replaces arginine, which is basic and polar, with tryptophan, which is neutral and slightly polar, at codon 404 of the NPC1 protein (p.Arg404Trp). This variant is not present in population databases (gnomAD no frequency). This missense change has been observed in individual(s) with Niemann-Pick type C disease (PMID: 12955717, 26981555). ClinVar contains an entry for this variant (Variation ID: 499939). Invitae Evidence Modeling of protein sequence and biophysical properties (such as structural, functional, and spatial information, amino acid conservation, physicochemical variation, residue mobility, and thermodynamic stability) indicates that this missense variant is expected to disrupt NPC1 protein function with a positive predictive value of 95%. This variant disrupts the p.Arg404 amino acid residue in NPC1. Other variant(s) that disrupt this residue have been determined to be pathogenic (PMID: 11349231, 11545687, 22065762, 26666848, 27581084). This suggests that this residue is clinically significant, and that variants that disrupt this residue are likely to be disease-causing. For these reasons, this variant has been classified as Pathogenic.

Women's Health and Genetics/Laboratory Corporation of America, LabCorp
Classification: Likely pathogenic for Niemann-Pick disease, type C. Last evaluated: 2025-05-07. Review status: criteria provided, single submitter. Criteria: LabCorp Variant Classification Summary - May 2015. Collection method: clinical testing. Allele origin: germline.
Comment: Variant summary: NPC1 c.1210C>T (p.Arg404Trp) results in a non-conservative amino acid change in the encoded protein sequence. Algorithms developed to predict the effect of missense changes on protein structure and function all suggest that this variant is likely to be disruptive. The variant was absent in 251292 control chromosomes (gnomAD). c.1210C>T has been observed in individuals affected with Niemann-Pick Disease Type C (e.g., Park_2003, Reunert_2016, Girard_2024). These data indicate that the variant may be associated with disease. A different variant affecting the same codon has been classified as likely pathogenic/pathogenic by our lab (c.1211G>A, p.Arg404Gln), supporting the critical relevance of codon 404 to NPC1 protein function. To our knowledge, no experimental evidence demonstrating an impact on protein function has been reported. The following publications have been ascertained in the context of this evaluation (PMID: 12955717, 26981555, 39507854). ClinVar contains an entry for this variant (Variation ID: 499939). Based on the evidence outlined above, the variant was classified as likely pathogenic.

Myriad Genetics, Inc.
Classification: Likely pathogenic for Niemann-Pick disease, type C1. Last evaluated: 2025-01-23. Review status: criteria provided, single submitter. Criteria: Myriad Autosomal Dominant, Autosomal Recessive and X-Linked Classification Criteria (2023). Collection method: clinical testing. Allele origin: unknown.
Comment: NM_000271.4(NPC1):c.1210C>T(R404W) is a missense variant classified as likely pathogenic in the context of Niemann-Pick disease type C1. R404W has been observed in cases with relevant disease (PMID: 34113546, 36125338, 39507854, 26981555, 12955717). Relevant functional assessments of this variant are not available in the literature. R404W has not been observed in referenced population frequency databases. In summary, NM_000271.4(NPC1):c.1210C>T(R404W) is a missense variant that has been observed more frequently in cases with the relevant disease than in healthy populations. Please note: this variant was assessed in the context of healthy population screening.

GeneDx
Classification: Likely pathogenic. Last evaluated: 2022-09-21. Review status: criteria provided, single submitter. Criteria: GeneDx Variant Classification Process June 2021. Collection method: clinical testing. Allele origin: germline. Affected: yes.
Comment: Not observed at significant frequency in large population cohorts (gnomAD); In silico analysis supports that this missense variant has a deleterious effect on protein structure/function; This variant is associated with the following publications: (PMID: 26659599, 26986070, 12955717, 26981555, 34113546, 33021976, 30942586, 22065762)

Revvity Omics, Revvity
Classification: Likely pathogenic for Niemann-Pick disease, type C1. Last evaluated: 2022-06-06. Review status: criteria provided, single submitter. Criteria: ACMG Guidelines, 2015. Collection method: clinical testing. Allele origin: germline.

Eurofins Ntd Llc (ga)
Classification: Likely pathogenic. Last evaluated: 2017-01-17. Review status: criteria provided, single submitter. Criteria: EGL Classification Definitions 2015. Collection method: clinical testing. Allele origin: germline. Observed: 1 variant allele, 1 homozygote.

Neuberg Centre For Genomic Medicine, NCGM
Classification: Likely pathogenic for Niemann-Pick disease, type C1. Review status: criteria provided, single submitter. Criteria: ACMG Guidelines, 2015. Collection method: clinical testing. Allele origin: germline. Inheritance: Autosomal recessive inheritance. Affected: yes.
Comment: The observed missense c.1210C>T p.Arg404Trp variant in NPC1 gene has been previously reported in compound heterozygous state in multiple individuals affected with Niemann-Pick disease Dubey V et al. 2020; Reunert J et al. 2015; Park WD et al. 2003. Another missense variant in the same residue p.R404p was identified in patient affected with Niemann-Pick disease Dubey V et al. 2020. The p.Arg404Trp variant is absent in gnomAD Exomes. This variant has been submitted to the ClinVar database as Uncertain significance / Pathogenic/ Likely Pathogenic multiple submitters. Multiple lines of computational evidence Polyphen - Probably damaging, SIFT – Damaging and Mutation Taster - Disease causing predict a damaging effect on protein structure and function for this variant. The reference amino acid on NPC1 gene is predicted as conserved by GERP++ and PhyloP across 100 vertebrates. The amino acid Arg at position 404 is changed to a Trp changing protein sequence and it might alter its composition and physico-chemical properties. Functional studies are required to prove the pathogenicity for the variant, for these reasons, this variant has been classified as Likely Pathogenic.

Counsyl
Classification: Uncertain significance for Niemann-Pick disease, type C1. Last evaluated: 2018-01-02. Review status: no assertion criteria provided. Collection method: clinical testing. Allele origin: unknown. Not counted in ClinVar's aggregate classification.

Literature cited by the submitters: PubMed 39507854 (cited by 3 submitters); PubMed 36125338 (cited by Natera, Inc. and Myriad Genetics, Inc.); PubMed 34113546 (cited by Natera, Inc. and Myriad Genetics, Inc.); PubMed 12955717 (cited by 5 submitters); PubMed 26981555 (cited by 4 submitters); PubMed 11349231 (cited by Labcorp Genetics (formerly Invitae), Labcorp); PubMed 11545687 (cited by Labcorp Genetics (formerly Invitae), Labcorp); PubMed 22065762 (cited by Labcorp Genetics (formerly Invitae), Labcorp); PubMed 26666848 (cited by Labcorp Genetics (formerly Invitae), Labcorp); PubMed 27581084 (cited by Labcorp Genetics (formerly Invitae), Labcorp); PubMed 27238017 (cited by Counsyl).

NM_000271.5(NPC1):c.1210C>T (p.Arg404Trp)

Gene: NPC1 (NPC intracellular cholesterol transporter 1; minus strand). Cytogenetic location: 18q11.2.
Variant type: single nucleotide variant.
Coding change: c.1210C>T on transcript NM_000271.5 (MANE Select); coding-DNA position 1210, C replaced by T.
Protein change: p.Arg404Trp; replaces arginine 404 with tryptophan.
Molecular consequence: missense variant.
Genome position (GRCh38, 1-based): chr18:23,556,359, G>A on the plus strand (C>T on the coding strand, the complement: NPC1 is on the minus strand). VCF-style: chr18-23556359-G-A. GRCh37 (hg19) VCF-style: chr18-21136323-G-A.
Other names: short protein forms R404W.
Identifiers: ClinVar variation 499939 (VCV000499939.23), dbSNP rs1298238512, ClinGen allele CA401777639.